The following is an entry in ClinVar:

ClinVar aggregate classification (germline): Uncertain significance (1 of 4 stars; one submission).

Conditions:
Osteogenesis imperfecta type 8 (OI8). Identifiers: MedGen C1970458, MONDO:0012581, OMIM 610915.

Allele frequency attached by ClinVar (database versions not stated): gnomAD exomes below 0.00001; ExAC 0.00001.
gnomAD v4.1: 1 of 1,614,202 alleles (0.000062%); highest among the groups gnomAD compares: Admixed American, 0.0017%; no homozygotes.

Submission:

Labcorp Genetics (formerly Invitae), Labcorp
Classification: Uncertain significance for Osteogenesis imperfecta type 8. Last evaluated: 2022-08-15. Review status: criteria provided, single submitter. Criteria: Invitae Variant Classification Sherloc (09022015). Collection method: clinical testing. Allele origin: germline.
Comment: This sequence change replaces asparagine, which is neutral and polar, with serine, which is neutral and polar, at codon 340 of the P3H1 protein (p.Asn340Ser). This variant is present in population databases (rs759697322, gnomAD 0.003%). This variant has not been reported in the literature in individuals affected with P3H1-related conditions. ClinVar contains an entry for this variant (Variation ID: 1380171). Algorithms developed to predict the effect of missense changes on protein structure and function (SIFT, PolyPhen-2, Align-GVGD) all suggest that this variant is likely to be disruptive. In summary, the available evidence is currently insufficient to determine the role of this variant in disease. Therefore, it has been classified as a Variant of Uncertain Significance.

NM_022356.4(P3H1):c.1019A>G (p.Asn340Ser)

Gene: P3H1 (prolyl 3-hydroxylase 1; minus strand). Cytogenetic location: 1p34.2.
Variant type: single nucleotide variant.
Coding change: c.1019A>G on transcript NM_022356.4 (MANE Select); coding-DNA position 1019, A replaced by G.
Protein change: p.Asn340Ser; replaces asparagine 340 with serine.
Molecular consequence: missense variant.
Genome position (GRCh38, 1-based): chr1:42,757,844, T>C on the plus strand (A>G on the coding strand, the complement: P3H1 is on the minus strand). VCF-style: chr1-42757844-T-C. GRCh37 (hg19) VCF-style: chr1-43223515-T-C.
Other names: c.1019A>G, p.Asn340Ser (NM_001146289.2, NM_001243246.2); short protein forms N340S.
Identifiers: ClinVar variation 1380171 (VCV001380171.3), dbSNP rs759697322, ClinGen allele CA802001.